The following is an entry in ClinVar:

NM_000061.3(BTK):c.1868C>T (p.Ser623Leu)

Gene: BTK (Bruton tyrosine kinase; minus strand). Cytogenetic location: Xq22.1.
Variant type: single nucleotide variant.
Coding change: c.1868C>T on transcript NM_000061.3 (MANE Select); coding-DNA position 1868, C replaced by T.
Protein change: p.Ser623Leu; replaces serine 623 with leucine.
Molecular consequence: missense variant.
Genome position (GRCh38, 1-based): chrX:101,353,234, G>A on the plus strand (C>T on the coding strand, the complement: BTK is on the minus strand). VCF-style: chrX-101353234-G-A. GRCh37 (hg19) VCF-style: chrX-100608222-G-A.
Other names: c.1970C>T, p.Ser657Leu (NM_001287344.2); c.1340C>T, p.Ser447Leu (NM_001287345.2); short protein forms S447L, S623L, S657L.
Identifiers: ClinVar variation 840422 (VCV000840422.10), dbSNP rs1926354581, ClinGen allele CA413918698.

ClinVar aggregate classification (germline): Conflicting classifications of pathogenicity. Review status: criteria provided, conflicting classifications (1 of 4 stars). 2 submissions from 2 submitters: Likely pathogenic (1); Uncertain significance (1). Last evaluated 2022-09-19.

Conditions:
X-linked agammaglobulinemia with growth hormone deficiency (IGHD3). Also called: FLEISHER SYNDROME; AGAMMAGLOBULINEMIA AND ISOLATED GROWTH HORMONE DEFICIENCY, X-LINKED; HYPOGAMMAGLOBULINEMIA AND ISOLATED GROWTH HORMONE DEFICIENCY, X-LINKED; IGHD III; ISOLATED GROWTH HORMONE DEFICIENCY, TYPE III, WITH AGAMMAGLOBULINEMIA; Isolated growth hormone deficiency type 3. Identifiers: Orphanet 231692, Orphanet 631, MedGen C0472813, MONDO:0010615, OMIM 307200.

Submissions (2):

GeneDx
Classification: Likely pathogenic. Last evaluated: 2022-09-19. Review status: criteria provided, single submitter. Criteria: GeneDx Variant Classification Process June 2021. Collection method: clinical testing. Allele origin: germline. Affected: yes.
Comment: Not observed at significant frequency in large population cohorts (gnomAD); In silico analysis supports that this missense variant has a deleterious effect on protein structure/function; This variant is associated with the following publications: (PMID: 12655572, 18677443)

Labcorp Genetics (formerly Invitae), Labcorp
Classification: Uncertain significance for X-linked agammaglobulinemia with growth hormone deficiency. Last evaluated: 2019-05-08. Review status: criteria provided, single submitter. Criteria: Invitae Variant Classification Sherloc (09022015). Collection method: clinical testing. Allele origin: germline.
Comment: This sequence change replaces serine with leucine at codon 623 of the BTK protein (p.Ser623Leu). The serine residue is moderately conserved and there is a large physicochemical difference between serine and leucine. This variant is not present in population databases (ExAC no frequency). This variant has been observed to segregate with X-linked agammaglobulinemia in families (PMID: 12655572, Invitae). Algorithms developed to predict the effect of missense changes on protein structure and function are either unavailable or do not agree on the potential impact of this missense change (SIFT: "Deleterious"; PolyPhen-2: "Possibly Damaging"; Align-GVGD: "Class C0"). In summary, the available evidence is currently insufficient to determine the role of this variant in disease. Therefore, it has been classified as a Variant of Uncertain Significance.

Literature cited by the submitters: PubMed 12655572 (cited by Labcorp Genetics (formerly Invitae), Labcorp).